The following is an entry in ClinVar:

NM_024105.4(ALG12):c.1463C>T (p.Ser488Phe)

Gene: ALG12 (ALG12 alpha-1,6-mannosyltransferase; minus strand). Cytogenetic location: 22q13.33.
Variant type: single nucleotide variant.
Coding change: c.1463C>T on transcript NM_024105.4 (MANE Select); coding-DNA position 1463, C replaced by T.
Protein change: p.Ser488Phe; replaces serine 488 with phenylalanine.
Molecular consequence: missense variant.
Genome position (GRCh38, 1-based): chr22:49,903,842, G>A on the plus strand (C>T on the coding strand, the complement: ALG12 is on the minus strand). VCF-style: chr22-49903842-G-A. GRCh37 (hg19) VCF-style: chr22-50297490-G-A.
Other names: short protein forms S488F.
Identifiers: ClinVar variation 1377954 (VCV001377954.6), dbSNP rs2060527495, ClinGen allele CA412071395.

ClinVar aggregate classification (germline): Uncertain significance (1 of 4 stars; one submission).

Conditions:
ALG12-congenital disorder of glycosylation (CDG1G). Also called: CDG Ig; ALG12-CDG; Congenital disorder of glycosylation, type Ig. Identifiers: Orphanet 79324, MedGen C2931001, MONDO:0011783, OMIM 607143.

gnomAD v4.1: 1 of 1,614,182 alleles (0.000062%); highest among the groups gnomAD compares: Non-Finnish European, 0.000085%; no homozygotes.

Submission:

Labcorp Genetics (formerly Invitae), Labcorp
Classification: Uncertain significance for ALG12-congenital disorder of glycosylation. Last evaluated: 2021-06-24. Review status: criteria provided, single submitter. Criteria: Invitae Variant Classification Sherloc (09022015). Collection method: clinical testing. Allele origin: germline.
Comment: In summary, the available evidence is currently insufficient to determine the role of this variant in disease. Therefore, it has been classified as a Variant of Uncertain Significance. Algorithms developed to predict the effect of missense changes on protein structure and function are either unavailable or do not agree on the potential impact of this missense change (SIFT: "Tolerated"; PolyPhen-2: "Possibly Damaging"; Align-GVGD: "Class C0"). This variant has not been reported in the literature in individuals with ALG12-related conditions. This variant is not present in population databases (ExAC no frequency). This sequence change replaces serine with phenylalanine at codon 488 of the ALG12 protein (p.Ser488Phe). The serine residue is weakly conserved and there is a large physicochemical difference between serine and phenylalanine.